The following is an entry in ClinVar:

ClinVar aggregate classification (germline): Conflicting classifications of pathogenicity. Review status: criteria provided, conflicting classifications (1 of 4 stars). 4 submissions from 4 submitters: Uncertain significance (3); Benign (1). Last evaluated 2026-02-03.

Conditions:
Inborn genetic diseases. Identifiers: MedGen C0950123, MeSH D030342.
RIN2-related disorder. Also called: RIN2-related condition.

Allele frequency attached by ClinVar (database versions not stated): 1000 Genomes Project 30x 0.00031; TOPMed 0.00031; ESP Exome Variant Server 0.00033; 1000 Genomes Project 0.00040; gnomAD 0.00043 and 0.00046; gnomAD exomes 0.00044 and 0.00054; ExAC 0.00060.

Submissions (4):

PreventionGenetics, part of Exact Sciences
Classification: Uncertain significance for RIN2-related condition. Last evaluated: 2026-02-03. Review status: criteria provided, single submitter. Criteria: ACMG Guidelines, 2015. Collection method: clinical testing. Allele origin: germline.
Comment: The RIN2 c.751G>A variant is predicted to result in the amino acid substitution p.Glu251Lys. To our knowledge, this variant has not been reported in the literature. This variant is reported in 0.083% of alleles in individuals of European (Non-Finnish) descent in gnomAD. Although we suspect that this variant may be benign, at this time, the clinical significance of this variant is uncertain due to the absence of conclusive functional and genetic evidence.

Labcorp Genetics (formerly Invitae), Labcorp
Classification: Benign. Last evaluated: 2026-02-01. Review status: criteria provided, single submitter. Criteria: Invitae Variant Classification Sherloc (09022015). Collection method: clinical testing. Allele origin: germline.

GeneDx
Classification: Uncertain significance. Last evaluated: 2024-08-11. Review status: criteria provided, single submitter. Criteria: GeneDx Variant Classification Process June 2021. Collection method: clinical testing. Allele origin: germline. Affected: yes.
Comment: In silico analysis supports that this missense variant has a deleterious effect on protein structure/function; Has not been previously published as pathogenic or benign to our knowledge

Ambry Genetics
Classification: Uncertain significance for Inborn genetic diseases. Last evaluated: 2021-08-13. Review status: criteria provided, single submitter. Criteria: Ambry Variant Classification Scheme 2023. Collection method: clinical testing. Allele origin: germline.

NM_018993.4(RIN2):c.604G>A (p.Glu202Lys)

Gene: RIN2 (Ras and Rab interactor 2; plus strand). Cytogenetic location: 20p11.23.
Variant type: single nucleotide variant.
Coding change: c.604G>A on transcript NM_018993.4 (MANE Select); coding-DNA position 604, G replaced by A.
Protein change: p.Glu202Lys; replaces glutamic acid 202 with lysine.
Molecular consequence: missense variant. On other transcripts: 5 prime UTR variant (1).
Genome position (GRCh38, 1-based): chr20:19,970,905, G>A. VCF-style: chr20-19970905-G-A. GRCh37 (hg19) VCF-style: chr20-19951549-G-A.
Other names: c.751G>A, p.Glu251Lys (NM_001242581.2); c.-15G>A (NM_001378238.1); short protein forms E251K, E202K.
Identifiers: ClinVar variation 695438 (VCV000695438.16), dbSNP rs200682836, ClinGen allele CA9779875.